The following is an entry in ClinVar:

NM_006009.4(TUBA1A):c.1341del (p.Gly448fs)

Gene: TUBA1A (tubulin alpha 1a; minus strand). Cytogenetic location: 12q13.12.
Variant type: Deletion.
Coding change: c.1341del on transcript NM_006009.4 (MANE Select); coding-DNA position 1341, one base deleted (A; older notation c.1341delA).
Protein change: p.Gly448fs; shifts the reading frame from glycine 448.
Molecular consequence: frameshift variant.
Genome position (GRCh38, 1-based): chr12:49,185,025, T deleted on the plus strand (A on the coding strand, the reverse complement: TUBA1A is on the minus strand); the first of 2 consecutive T bases (chr12:49,185,025-49,185,026); deleting either gives the same sequence. VCF-style (leftmost placement, unchanged base first): chr12-49185024-CT-C. GRCh37 (hg19) VCF-style: chr12-49578807-CT-C.
Other names: c.1341del, p.Gly448fs (NM_001270399.2); c.1236del, p.Gly413fs (NM_001270400.2); short protein forms G413fs, G448fs.
Identifiers: ClinVar variation 625473 (VCV000625473.2), dbSNP rs1565626826, ClinGen allele CA658786206.
Genomic context (GRCh38, chr12:49,185,024, plus strand): 5'-AGAATAAGCTTCCCTGTAAAAGCAGCACCTTTGTGACGTTTTAACTTTAGTATTCCTCTC[CT>C]TCTTCCTCACCCTCTCCTTCAACAGAATCCACACCAACCTCCTCATAATCCTTCTCAAGG-3'

ClinVar aggregate classification (germline): Likely pathogenic (1 of 4 stars; one submission).

Conditions:
Tubulinopathy. Also called: Tubulinopathies. Identifiers: MedGen CN850169, MONDO:0100153.

Submission:

Institute of Human Genetics, FAU Erlangen, Friedrich-Alexander-Universität Erlangen-Nürnberg
Classification: Likely pathogenic for Tubulinopathies. Last evaluated: 2018-07-01. Review status: criteria provided, single submitter. Criteria: ACMG Guidelines, 2015. Collection method: literature only. Allele origin: de novo. Affected: yes. Observed: 1 variant allele.
Comment: The c.1341del, p.(Gly448Glufs*36) variant has been reported as a variant of de novo origin. Cerebellar hypoplasia (HP:0001321)

Literature cited by the submitters: PubMed 30744660; DOI 10.1101/427948.